The following is an entry in ClinVar:

ClinVar aggregate classification (germline): Uncertain significance (1 of 4 stars; one submission).

Conditions:
Mucopolysaccharidosis type 1. Also called: IDUA deficiency; MPS I; Mucopolysaccharidosis Type I. Identifiers: Orphanet 579, MedGen C0023786, MONDO:0001586.

Allele frequency attached by ClinVar (database versions not stated): TOPMed 0.00001.

Submission:

Labcorp Genetics (formerly Invitae), Labcorp
Classification: Uncertain significance for Mucopolysaccharidosis type 1. Last evaluated: 2024-10-17. Review status: criteria provided, single submitter. Criteria: Invitae Variant Classification Sherloc (09022015). Collection method: clinical testing. Allele origin: germline.
Comment: This sequence change replaces arginine, which is basic and polar, with proline, which is neutral and non-polar, at codon 45 of the IDUA protein (p.Arg45Pro). This variant is not present in population databases (gnomAD no frequency). This variant has not been reported in the literature in individuals affected with IDUA-related conditions. ClinVar contains an entry for this variant (Variation ID: 1412970). Invitae Evidence Modeling of protein sequence and biophysical properties (such as structural, functional, and spatial information, amino acid conservation, physicochemical variation, residue mobility, and thermodynamic stability) indicates that this missense variant is not expected to disrupt IDUA protein function with a negative predictive value of 95%. In summary, the available evidence is currently insufficient to determine the role of this variant in disease. Therefore, it has been classified as a Variant of Uncertain Significance.

NM_000203.5(IDUA):c.134G>C (p.Arg45Pro)

Genes: IDUA (alpha-L-iduronidase; plus strand), SLC26A1 (solute carrier family 26 member 1; minus strand). Cytogenetic location: 4p16.3.
Variant type: single nucleotide variant.
Coding change: c.134G>C on transcript NM_000203.5 (MANE Select); coding-DNA position 134, G replaced by C.
Protein change: p.Arg45Pro; replaces arginine 45 with proline.
Molecular consequence: missense variant. On other transcripts: non-coding transcript variant (1), intron variant (1).
Genome position (GRCh38, 1-based): chr4:987,218, G>C. VCF-style: chr4-987218-G-C. GRCh37 (hg19) VCF-style: chr4-981006-G-C.
Other names: c.576+3910C>G (NM_134425.4); short protein forms R45P.
Identifiers: ClinVar variation 1412970 (VCV001412970.8), dbSNP rs1448806369, ClinGen allele CA355945601.
Genomic context (GRCh38, chr4:987,218, plus strand): 5'-CGGCCGAGGCCCCGCACCTGGTGCATGTGGACGCGGCCCGCGCGCTGTGGCCCCTGCGGC[G>C]CTTCTGGAGGAGCACAGGCTTCTGGTGAGCGCTCCGCGGCCTCCGGGACCCCCTGGCCGC-3'
Protein context (NP_000194.2, residues 35-55): DAARALWPLR[Arg45Pro]FWRSTGFCPP